The following is an entry in ClinVar:

ClinVar aggregate classification (germline): Uncertain significance. Review status: criteria provided, multiple submitters, no conflicts (2 of 4 stars). 4 submissions from 4 submitters: Uncertain significance (4). Last evaluated 2024-11-21.

Conditions:
RP1-related disorder. Also called: RP1-related condition.
Inborn genetic diseases. Identifiers: MedGen C0950123, MeSH D030342.

Allele frequency attached by ClinVar (database versions not stated): gnomAD exomes 0.00001 and 0.00003; ExAC 0.00004; ESP Exome Variant Server 0.00008; gnomAD 0.00010 and 0.00011; TOPMed 0.00011.
gnomAD v4.1: 25 of 1,613,432 alleles (0.0015%); highest among the groups gnomAD compares: African/African-American, 0.033%; no homozygotes.

Submissions (4):

PreventionGenetics, part of Exact Sciences
Classification: Uncertain significance for RP1-related condition. Last evaluated: 2024-11-21. Review status: criteria provided, single submitter. Criteria: ACMG Guidelines, 2015. Collection method: clinical testing. Allele origin: germline.
Comment: The RP1 c.2455T>G variant is predicted to result in the amino acid substitution p.Leu819Val. To our knowledge, this variant has not been reported in the literature. This variant is reported in 0.037% of alleles in individuals of African descent in gnomAD. At this time, the clinical significance of this variant is uncertain due to the absence of conclusive functional and genetic evidence.

Labcorp Genetics (formerly Invitae), Labcorp
Classification: Uncertain significance. Last evaluated: 2024-01-29. Review status: criteria provided, single submitter. Criteria: Invitae Variant Classification Sherloc (09022015). Collection method: clinical testing. Allele origin: germline.
Comment: This sequence change replaces leucine, which is neutral and non-polar, with valine, which is neutral and non-polar, at codon 819 of the RP1 protein (p.Leu819Val). This variant is present in population databases (rs367562684, gnomAD 0.04%). This variant has not been reported in the literature in individuals affected with RP1-related conditions. ClinVar contains an entry for this variant (Variation ID: 936450). An algorithm developed to predict the effect of missense changes on protein structure and function (PolyPhen-2) suggests that this variant is likely to be tolerated. In summary, the available evidence is currently insufficient to determine the role of this variant in disease. Therefore, it has been classified as a Variant of Uncertain Significance.

Blueprint Genetics
Classification: Uncertain significance. Last evaluated: 2023-06-02. Review status: criteria provided, single submitter. Criteria: ACMG Guidelines, 2015. Collection method: clinical testing. Allele origin: germline.

Ambry Genetics
Classification: Uncertain significance for Inborn genetic diseases. Last evaluated: 2022-04-28. Review status: criteria provided, single submitter. Criteria: Ambry Variant Classification Scheme 2023. Collection method: clinical testing. Allele origin: germline.

NM_006269.2(RP1):c.2455T>G (p.Leu819Val)

Gene: RP1 (RP1 axonemal microtubule associated; plus strand). Cytogenetic location: 8q12.1.
Variant type: single nucleotide variant.
Coding change: c.2455T>G on transcript NM_006269.2 (MANE Select); coding-DNA position 2455, T replaced by G.
Protein change: p.Leu819Val; replaces leucine 819 with valine.
Molecular consequence: missense variant. On other transcripts: intron variant (1).
Genome position (GRCh38, 1-based): chr8:54,626,337, T>G. VCF-style: chr8-54626337-T-G. GRCh37 (hg19) VCF-style: chr8-55538897-T-G.
Other names: c.787+4049T>G (NM_001375654.1); short protein forms L819V.
Identifiers: ClinVar variation 936450 (VCV000936450.12), dbSNP rs367562684, ClinGen allele CA4751537.